The following is an entry in ClinVar:

NM_052845.4(MMAB):c.290+5G>A

Gene: MMAB (metabolism of cobalamin associated B; minus strand). Cytogenetic location: 12q24.11.
Variant type: single nucleotide variant.
Coding change: c.290+5G>A on transcript NM_052845.4 (MANE Select); 5 bases into the intron after coding-DNA position 290, G replaced by A.
Molecular consequence: intron variant.
Genome position (GRCh38, 1-based): chr12:109,568,765, C>T on the plus strand (G>A on the coding strand, the complement: MMAB is on the minus strand). VCF-style: chr12-109568765-C-T. GRCh37 (hg19) VCF-style: chr12-110006570-C-T.
Identifiers: ClinVar variation 4716079 (VCV004716079.1).
Genomic context (GRCh38, chr12:109,568,765, plus strand): 5'-ACATTCATTACGTTTACTCATACTCGACTCAAACGCAACCTCAAGGCCAATCCTGTCCCC[C>T]TTACCCAATAGCTGAACTTAATTCATCTGTAGTTCCCACGGCTTCAAACACTTGGTCATC-3'

ClinVar aggregate classification (germline): Uncertain significance (1 of 4 stars; one submission).

Conditions:
Methylmalonic aciduria, cblB type (MACB). Also called: METHYLMALONIC ACIDURIA, VITAMIN B12-RESPONSIVE, DUE TO DEFECT IN SYNTHESIS OF ADENOSYLCOBALAMIN, cblB TYPE; Vitamin B12-responsive methylmalonic acidemia type cblB; Methylmalonic acidemia cblB type. Identifiers: Orphanet 28, Orphanet 79311, MedGen C1855102, MONDO:0009614, OMIM 251110.

Submission:

Labcorp Genetics (formerly Invitae), Labcorp
Classification: Uncertain significance for Methylmalonic aciduria, cblB type. Last evaluated: 2025-06-02. Review status: criteria provided, single submitter. Criteria: Invitae Variant Classification Sherloc (09022015). Collection method: clinical testing. Allele origin: germline.
Comment: This sequence change falls in intron 3 of the MMAB gene. It does not directly change the encoded amino acid sequence of the MMAB protein. It affects a nucleotide within the consensus splice site. This variant is not present in population databases (gnomAD no frequency). This variant has not been reported in the literature in individuals affected with MMAB-related conditions. Variants that disrupt the consensus splice site are a relatively common cause of aberrant splicing (PMID: 17576681, 9536098). Algorithms developed to predict the effect of sequence changes on RNA splicing suggest that this variant may disrupt the consensus splice site. In summary, the available evidence is currently insufficient to determine the role of this variant in disease. Therefore, it has been classified as a Variant of Uncertain Significance.

Literature cited by the submitters: PubMed 17576681; PubMed 9536098.